The following is an entry in ClinVar:

NM_003803.4(MYOM1):c.2587G>C (p.Glu863Gln)

Gene: MYOM1 (myomesin 1; minus strand). Cytogenetic location: 18p11.31.
Variant type: single nucleotide variant.
Coding change: c.2587G>C on transcript NM_003803.4 (MANE Select); coding-DNA position 2587, G replaced by C.
Protein change: p.Glu863Gln; replaces glutamic acid 863 with glutamine.
Molecular consequence: missense variant. On other transcripts: intron variant (1).
Genome position (GRCh38, 1-based): chr18:3,129,439, C>G on the plus strand (G>C on the coding strand, the complement: MYOM1 is on the minus strand). VCF-style: chr18-3129439-C-G. GRCh37 (hg19) VCF-style: chr18-3129437-C-G.
Other names: c.2506+1936G>C (NM_019856.2); c.2587G>C (NM_003803.3); short protein forms E863Q.
Identifiers: ClinVar variation 1384382 (VCV001384382.9), dbSNP rs2143878899, ClinGen allele CA401710284.

ClinVar aggregate classification (germline): Uncertain significance. Review status: criteria provided, multiple submitters, no conflicts (2 of 4 stars). 2 submissions from 2 submitters: Uncertain significance (2). Last evaluated 2025-01-26.

Conditions:
Hypertrophic cardiomyopathy. Also called: HYPERTROPHIC MYOCARDIOPATHY. Identifiers: Orphanet 217569, MedGen C0007194, MeSH D002312, MONDO:0005045, HP:0001639.

Allele frequency attached by ClinVar (database versions not stated): gnomAD exomes below 0.00001.
gnomAD v4.1: 1 of 1,613,984 alleles (0.000062%); highest among the groups gnomAD compares: Non-Finnish European, 0.000085%; no homozygotes.

Submissions (2):

Ambry Genetics
Classification: Uncertain significance. Last evaluated: 2025-01-26. Review status: criteria provided, single submitter. Criteria: Ambry Variant Classification Scheme 2023. Collection method: clinical testing. Allele origin: germline.

Labcorp Genetics (formerly Invitae), Labcorp
Classification: Uncertain significance for Hypertrophic cardiomyopathy. Last evaluated: 2021-07-04. Review status: criteria provided, single submitter. Criteria: Invitae Variant Classification Sherloc (09022015). Collection method: clinical testing. Allele origin: germline.
Comment: This variant has not been reported in the literature in individuals with MYOM1-related conditions. In summary, the available evidence is currently insufficient to determine the role of this variant in disease. Therefore, it has been classified as a Variant of Uncertain Significance. Algorithms developed to predict the effect of missense changes on protein structure and function (SIFT, PolyPhen-2, Align-GVGD) all suggest that this variant is likely to be tolerated, but these predictions have not been confirmed by published functional studies and their clinical significance is uncertain. This variant is not present in population databases (ExAC no frequency). This sequence change replaces glutamic acid with glutamine at codon 863 of the MYOM1 protein (p.Glu863Gln). The glutamic acid residue is weakly conserved and there is a small physicochemical difference between glutamic acid and glutamine.